The following is an entry in ClinVar:

ClinVar aggregate classification (germline): Uncertain significance (1 of 4 stars; one submission).

Conditions:
Hereditary cancer-predisposing syndrome. Also called: Hereditary neoplastic syndrome; Neoplastic Syndromes, Hereditary; Tumor predisposition; Hereditary Cancer Syndrome. Identifiers: Orphanet 140162, MedGen C0027672, MeSH D009386, MONDO:0015356.

Submission:

Ambry Genetics
Classification: Uncertain significance for Hereditary cancer-predisposing syndrome. Last evaluated: 2014-03-27. Review status: criteria provided, single submitter. Criteria: Ambry Autosomal Dominant and X-Linked criteria (10/2015). Collection method: clinical testing. Allele origin: germline. Observed: 1 variant allele.
Comment: The p.K690N variant (also known as c.2070A>T), located in coding exon 12 of the PMS2 gene, results from an A to T substitution at nucleotide position 2070. The lysine at codon 690 is replaced by asparagine, an amino acid with some similar properties. This variant was not reported in population based cohorts in the following databases: Database of Single Nucleotide Polymorphisms (dbSNP), NHLBI Exome Sequencing Project (ESP), and 1000 Genomes Project. To date, this alteration has been detected with an allele frequency of approximately 0.006% (greater than 15000 alleles tested) in our clinical cohort (includes this individual). This amino acid position is highly conserved in available vertebrate species. In addition, this alteration is predicted to be possibly damaging and deleterious by PolyPhen and SIFT in silico analyses, respectively. Since supporting evidence is limited at this time, the clinical significance of p.K690N remains unclear.

NM_000535.7(PMS2):c.2070A>T (p.Lys690Asn)

Gene: PMS2 (PMS1 homolog 2, mismatch repair system component; minus strand). Cytogenetic location: 7p22.1.
Variant type: single nucleotide variant.
Coding change: c.2070A>T on transcript NM_000535.7 (MANE Select); coding-DNA position 2070, A replaced by T.
Protein change: p.Lys690Asn; replaces lysine 690 with asparagine.
Molecular consequence: missense variant. On other transcripts: non-coding transcript variant (1).
Genome position (GRCh38, 1-based): chr7:5,982,928, T>A on the plus strand (A>T on the coding strand, the complement: PMS2 is on the minus strand). VCF-style: chr7-5982928-T-A. GRCh37 (hg19) VCF-style: chr7-6022559-T-A.
Other names: c.1665A>T, p.Lys555Asn (NM_001322003.2, NM_001322004.2, NM_001322005.2 and 1 more transcripts); c.1914A>T, p.Lys638Asn (NM_001322006.2); c.1752A>T, p.Lys584Asn (NM_001322007.2, NM_001322008.2); c.1509A>T, p.Lys503Asn (NM_001322010.2); c.1137A>T, p.Lys379Asn (NM_001322011.2, NM_001322012.2); c.1497A>T, p.Lys499Asn (NM_001322013.2); c.2070A>T, p.Lys690Asn (NM_001322014.2); c.1761A>T, p.Lys587Asn (NM_001322015.2); short protein forms K690N, K638N, K379N, K499N, K503N, K555N, K587N, K584N.
Identifiers: ClinVar variation 184866 (VCV000184866.3), dbSNP rs786201749, ClinGen allele CA010791.
Genomic context (GRCh38, chr7:5,982,928, plus strand): 5'-CTCGAAGTTATACTTCTCGTCCGTGGCATGCTGGTCCACTATGAAGATATCCTCATTCAG[T>A]TTGGTTATTATAAATCCCAGGTTAAACTGACCAATGATTTCCATTTCTGCAAACATCGTT-3'
Protein context (NP_000526.2, residues 680-700): GQFNLGFIIT[Lys690Asn]LNEDIFIVDQ